The following is an entry in ClinVar:

NM_080425.4(GNAS):c.505C>T (p.Pro169Ser)

Gene: GNAS (GNAS complex locus; plus strand). Cytogenetic location: 20q13.32.
Variant type: single nucleotide variant.
Coding change: c.505C>T on transcript NM_080425.4 (MANE Plus Clinical); coding-DNA position 505, C replaced by T.
Protein change: p.Pro169Ser; replaces proline 169 with serine.
Molecular consequence: missense variant. On other transcripts: synonymous variant (2), intron variant (3).
Genome position (GRCh38, 1-based): chr20:58,853,770, C>T. VCF-style: chr20-58853770-C-T. GRCh37 (hg19) VCF-style: chr20-57428825-C-T.
Other names: c.318C>T, p.Ser106= (NM_001077490.3, NM_001309883.1); c.505C>T, p.Pro169Ser (NM_001410913.1); c.*42+12884C>T (NM_016592.5); c.43+12884C>T (NM_001410912.1); c.-39+11895C>T (NM_001309861.2); short protein forms P169S.
Identifiers: ClinVar variation 803616 (VCV000803616.5), dbSNP rs746247739, ClinGen allele CA9926479.

ClinVar aggregate classification (germline): Uncertain significance. Review status: criteria provided, multiple submitters, no conflicts (2 of 4 stars). 3 submissions from 3 submitters: Uncertain significance (3). Last evaluated 2026-02-20.

Conditions:
Pseudohypoparathyroidism type I A (PHP1A). Also called: Pseudohypoparathyroidism Type IA; Pseudohypoparathyroidism Ia (PHP-Ia); ALBRIGHT HEREDITARY OSTEODYSTROPHY WITH MULTIPLE HORMONE RESISTANCE; PHP IA; Pseudohypoparathyroidism type 1A. Identifiers: Orphanet 79443, MedGen C3494506, MONDO:0007078, OMIM 103580.
Pseudohypoparathyroidism type 1C (PHP1C). Also called: PSEUDOHYPOPARATHYROIDISM, TYPE IC; PHP IC; Pseudohypoparathyroidism Ic (PHP-Ic). Identifiers: Orphanet 79444, MedGen C2932716, MONDO:0012911, OMIM 612462.
Pseudohypoparathyroidism type 1B (PHP1B). Also called: Pseudohypoparathyroidism Type IB; Pseudohypoparathyroidism Ib (PHP-Ib); PHP IB. Identifiers: Orphanet 94089, MedGen C1864100, MONDO:0011301, OMIM 603233.
Pseudopseudohypoparathyroidism (PPHP). Also called: ALBRIGHT HEREDITARY OSTEODYSTROPHY WITHOUT MULTIPLE HORMONE RESISTANCE; Pseudopseudohypoparathyroidism (PPHP). Identifiers: Orphanet 79445, MedGen C0033835, MONDO:0012912, OMIM 612463.
GNAS-related disorder. Identifiers: MedGen CN380105.
McCune-Albright syndrome (MAS). Also called: Albright's Syndrome; Albright's disease; Fibrous Dysplasia / McCune-Albright Syndrome; ALBRIGHT SYNDROME; McCune-Albright syndrome, somatic, mosaic. Identifiers: Orphanet 562, MedGen C0242292, MONDO:0018919, OMIM 174800.

Allele frequency attached by ClinVar (database versions not stated): gnomAD exomes below 0.00001 and 0.00003; ExAC 0.00003; gnomAD 0.00006 and 0.00007; TOPMed 0.00006.
gnomAD v4.1: 14 of 1,613,190 alleles (0.00087%); highest among the groups gnomAD compares: African/African-American, 0.017%; no homozygotes.

Submissions (3):

PreventionGenetics, part of Exact Sciences
Classification: Uncertain significance for GNAS-related condition. Last evaluated: 2026-02-20. Review status: criteria provided, single submitter. Criteria: ACMG Guidelines, 2015. Collection method: clinical testing. Allele origin: germline.
Comment: The GNAS c.505C>T variant is predicted to result in the amino acid substitution p.Pro169Ser. On the primary transcript NM_000516, this variant is located at the pre-coding region as c.-37957C>T. To our knowledge, this variant has not been reported in the literature. This variant is reported in 0.033% of alleles in individuals of African descent in gnomAD. At this time, the clinical significance of this variant is uncertain due to the absence of conclusive functional and genetic evidence.

New York Genome Center
Classification: Uncertain significance for Pseudohypoparathyroidism type 1C; Pseudohypoparathyroidism type I A; Pseudohypoparathyroidism type 1B; Pseudopseudohypoparathyroidism. Last evaluated: 2022-07-19. Review status: criteria provided, single submitter. Criteria: NYGC Assertion Criteria 2020. Collection method: clinical testing. Allele origin: germline. Observed: 1 heterozygote.

Mendelics
Classification: Uncertain significance for McCune-Albright syndrome. Last evaluated: 2019-05-28. Review status: criteria provided, single submitter. Criteria: Mendelics Assertion Criteria 2017. Collection method: clinical testing. Allele origin: unknown.